The following is an entry in ClinVar:

NM_015335.5(MED13L):c.1724C>T (p.Ser575Leu)

Gene: MED13L (mediator complex subunit 13L; minus strand). Cytogenetic location: 12q24.21.
Variant type: single nucleotide variant.
Coding change: c.1724C>T on transcript NM_015335.5 (MANE Select); coding-DNA position 1724, C replaced by T.
Protein change: p.Ser575Leu; replaces serine 575 with leucine.
Molecular consequence: missense variant.
Genome position (GRCh38, 1-based): chr12:116,008,689, G>A on the plus strand (C>T on the coding strand, the complement: MED13L is on the minus strand). VCF-style: chr12-116008689-G-A. GRCh37 (hg19) VCF-style: chr12-116446494-G-A.
Other names: short protein forms S575L.
Identifiers: ClinVar variation 1125903 (VCV001125903.10), dbSNP rs377144746, ClinGen allele CA6811370.

ClinVar aggregate classification (germline): Conflicting classifications of pathogenicity. Review status: criteria provided, conflicting classifications (1 of 4 stars). 2 submissions from 2 submitters: Uncertain significance (1); Likely benign (1). Last evaluated 2022-01-10.

Conditions:
Dextro-looped transposition of the great arteries. Also called: Dextrotransposition of the great arteries. Identifiers: Orphanet 860, MedGen C3531771, MONDO:0019443, OMIM 608808, HP:0031348.

Allele frequency attached by ClinVar (database versions not stated): gnomAD exomes 0.00002; ESP Exome Variant Server 0.00008.
gnomAD v4.1: 31 of 1,613,904 alleles (0.0019%); highest among the groups gnomAD compares: African/African-American, 0.0053%; no homozygotes.

Submissions (2):

GeneDx
Classification: Uncertain significance. Last evaluated: 2022-01-10. Review status: criteria provided, single submitter. Criteria: GeneDx Variant Classification Process June 2021. Collection method: clinical testing. Allele origin: germline. Affected: yes.
Comment: In silico analysis supports that this missense variant has a deleterious effect on protein structure/function; Has not been previously published as pathogenic or benign to our knowledge

Labcorp Genetics (formerly Invitae), Labcorp
Classification: Likely benign for Dextro-looped transposition of the great arteries. Last evaluated: 2020-03-18. Review status: criteria provided, single submitter. Criteria: Invitae Variant Classification Sherloc (09022015). Collection method: clinical testing. Allele origin: germline.